The following is an entry in ClinVar:

ClinVar aggregate classification (germline): Uncertain significance. Review status: criteria provided, multiple submitters, no conflicts (2 of 4 stars). 6 submissions from 6 submitters: Uncertain significance (5). 1 of the submissions does not count toward it. Last evaluated 2024-08-06.

Conditions:
Retinal dystrophy. Also called: Inherited retinal dystrophy. Identifiers: Orphanet 71862, MedGen C0854723, MeSH D058499, MONDO:0019118, HP:0000556.
Inborn genetic diseases. Identifiers: MedGen C0950123, MeSH D030342.

Allele frequency attached by ClinVar (database versions not stated): ExAC below 0.00001; gnomAD 0.00006 and 0.00007; TOPMed 0.00008; 1000 Genomes Project 30x 0.00016; 1000 Genomes Project 0.00020.
gnomAD v4.1: 42 of 1,501,940 alleles (0.0028%); highest among the groups gnomAD compares: Middle Eastern, 0.075%; no homozygotes.

Submissions (6):

Blueprint Genetics
Classification: Uncertain significance. Last evaluated: 2024-08-06. Review status: criteria provided, single submitter. Criteria: ACMG Guidelines, 2015. Collection method: clinical testing. Allele origin: germline.

CeGaT Center for Human Genetics Tuebingen
Classification: Uncertain significance. Last evaluated: 2023-01-01. Review status: criteria provided, single submitter. Criteria: CeGaT Center For Human Genetics Tuebingen Variant Classification Criteria Version 2. Collection method: clinical testing. Allele origin: germline. Affected: yes. Observed: 1 variant allele.
Comment: FLVCR1: PM2

Labcorp Genetics (formerly Invitae), Labcorp
Classification: Uncertain significance. Last evaluated: 2022-08-03. Review status: criteria provided, single submitter. Criteria: Invitae Variant Classification Sherloc (09022015). Collection method: clinical testing. Allele origin: germline.
Comment: This sequence change replaces glycine, which is neutral and non-polar, with serine, which is neutral and polar, at codon 45 of the FLVCR1 protein (p.Gly45Ser). This variant is present in population databases (rs532977695, gnomAD 0.007%). This variant has not been reported in the literature in individuals affected with FLVCR1-related conditions. ClinVar contains an entry for this variant (Variation ID: 391253). Algorithms developed to predict the effect of missense changes on protein structure and function (SIFT, PolyPhen-2, Align-GVGD) all suggest that this variant is likely to be tolerated. In summary, the available evidence is currently insufficient to determine the role of this variant in disease. Therefore, it has been classified as a Variant of Uncertain Significance.

Ambry Genetics
Classification: Uncertain significance for Inborn genetic diseases. Last evaluated: 2021-06-18. Review status: criteria provided, single submitter. Criteria: Ambry Variant Classification Scheme 2023. Collection method: clinical testing. Allele origin: germline.

GeneDx
Classification: Uncertain significance. Last evaluated: 2016-12-19. Review status: criteria provided, single submitter. Criteria: GeneDx Variant Classification (06012015). Collection method: clinical testing. Allele origin: germline. Affected: yes.
Comment: The G45S variant in the FLVCR1 gene has not been reported previously as a pathogenic variant, nor as a benign variant, to our knowledge. The G45S variant was not observed in approximately 5,900 individuals of European and African American ancestry in the NHLBI Exome Sequencing Project, indicating it is not a common benign variant in these populations. The G45S variant is a non-conservative amino acid substitution, which is likely to impact secondary protein structure as these residues differ in polarity, charge, size and/or other properties. However, this substitution occurs at a position that is not conserved, and in silico analysis is inconsistent in its predictions as to whether or not the variant is damaging to the protein structure/function. We interpret G45S as a variant of uncertain significance.

Institute of Human Genetics, Univ. Regensburg, Univ. Regensburg
Classification: Uncertain significance for Retinal dystrophy. Last evaluated: 2022-01-01. Review status: no assertion criteria provided. Criteria: ACMG Guidelines, 2015. Collection method: clinical testing. Allele origin: germline. Affected: yes. Not counted in ClinVar's aggregate classification.

NM_014053.4(FLVCR1):c.133G>A (p.Gly45Ser)

Genes: FLVCR1 (FLVCR choline and heme transporter 1; plus strand), LOC129932486 (ATAC-STARR-seq lymphoblastoid silent region 1807; plus strand). Cytogenetic location: 1q32.3.
Variant type: single nucleotide variant.
Coding change: c.133G>A on transcript NM_014053.4 (MANE Select); coding-DNA position 133, G replaced by A.
Protein change: p.Gly45Ser; replaces glycine 45 with serine.
Molecular consequence: missense variant.
Genome position (GRCh38, 1-based): chr1:212,858,585, G>A. VCF-style: chr1-212858585-G-A. GRCh37 (hg19) VCF-style: chr1-213031927-G-A.
Other names: short protein forms G45S.
Identifiers: ClinVar variation 391253 (VCV000391253.34), dbSNP rs532977695, ClinGen allele CA1385837.
Genomic context (GRCh38, chr1:212,858,585, plus strand): 5'-TTGCCGAGGGGCGCGCCCGTTGGGAAGGAGAGCGTGGAGCTGCAGAACGGGCCCAAAGCG[G>A]GCACCTTCCCGGTGAATGGGGCCCCCCGGGACAGCCTCGCTGCCGCCTCGGGAGTTCTGG-3'
Protein context (NP_054772.1, residues 35-55): SVELQNGPKA[Gly45Ser]TFPVNGAPRD